The following is an entry in ClinVar:

ClinVar aggregate classification (germline): Conflicting classifications of pathogenicity. Review status: criteria provided, conflicting classifications (1 of 4 stars). 4 submissions from 4 submitters: Likely pathogenic (1); Uncertain significance (3). Last evaluated 2026-09-01.

Conditions:
Severe early-childhood-onset retinal dystrophy (STGD1). Also called: MACULAR DYSTROPHY WITH FLECKS, TYPE 1; STGD; Stargardt macular dystrophy; Juvenile onset macular degeneration; Stargardt disease 1. Identifiers: Orphanet 364055, Orphanet 827, MedGen C1855465, MeSH D000080362, MONDO:0009549, OMIM 248200.
ABCA4-related disorder. Also called: ABCA4-related condition; ABCA4-related disorders. Identifiers: MedGen CN239167.

Allele frequency attached by ClinVar (database versions not stated): gnomAD 0.00001; gnomAD exomes 0.00001 and 0.00002; TOPMed 0.00001.
gnomAD v4.1: 25 of 1,614,084 alleles (0.0015%); highest among the groups gnomAD compares: Middle Eastern, 0.016%; no homozygotes.

Submissions (4):

PreventionGenetics, part of Exact Sciences
Classification: Uncertain significance for ABCA4-related condition. Last evaluated: 2026-09-01. Review status: criteria provided, single submitter. Criteria: ACMG Guidelines, 2015. Collection method: clinical testing. Allele origin: germline.
Comment: The ABCA4 c.6250G>A variant is predicted to result in the amino acid substitution p.Ala2084Thr. This variant was reported on the same allele (in cis) as a known pathogenic variant in individuals with Stargardt disease (Nassisi et al. 2018. PubMed ID: 30060493) and was reported as an additional third allele in another individual (Table S1, Fujinami et al. 2018. PubMed ID: 29925512). This variant is reported in 0.0054% of alleles in individuals of East Asian descent in gnomAD. At this time, the clinical significance of this variant is uncertain due to the absence of conclusive functional and genetic evidence.

Labcorp Genetics (formerly Invitae), Labcorp
Classification: Likely pathogenic. Last evaluated: 2025-08-20. Review status: criteria provided, single submitter. Criteria: Invitae Variant Classification Sherloc (09022015). Collection method: clinical testing. Allele origin: germline.
Comment: This sequence change replaces alanine, which is neutral and non-polar, with threonine, which is neutral and polar, at codon 2084 of the ABCA4 protein (p.Ala2084Thr). This variant is present in population databases (no rsID available, gnomAD 0.006%). This variant has not been reported in the literature in individuals affected with ABCA4-related conditions. ClinVar contains an entry for this variant (Variation ID: 855992). Invitae Evidence Modeling of protein sequence and biophysical properties (such as structural, functional, and spatial information, amino acid conservation, physicochemical variation, residue mobility, and thermodynamic stability) indicates that this missense variant is expected to disrupt ABCA4 protein function with a positive predictive value of 95%. This variant disrupts the p.Ala2084 amino acid residue in ABCA4. Other variant(s) that disrupt this residue have been determined to be pathogenic (PMID: 30093795; internal data). This suggests that this residue is clinically significant, and that variants that disrupt this residue are likely to be disease-causing. In summary, the currently available evidence indicates that the variant is pathogenic, but additional data are needed to prove that conclusively. Therefore, this variant has been classified as Likely Pathogenic.

Blueprint Genetics
Classification: Uncertain significance. Last evaluated: 2020-07-13. Review status: criteria provided, single submitter. Criteria: ACMG Guidelines, 2015. Collection method: clinical testing. Allele origin: germline.

Juno Genomics, Hangzhou Juno Genomics, Inc
Classification: Uncertain significance for Severe early-childhood-onset retinal dystrophy. Review status: criteria provided, single submitter. Criteria: ACMG Guidelines, 2015. Collection method: clinical testing. Allele origin: germline.
Comment: Absent from controls (or at extremely low frequency if recessive) in Genome Aggregation Database.;Multiple lines of computational evidence support a deleterious effect on the gene or gene product.

Literature cited by the submitters: PubMed 30093795 (cited by Labcorp Genetics (formerly Invitae), Labcorp).

NM_000350.3(ABCA4):c.6250G>A (p.Ala2084Thr)

Gene: ABCA4 (ATP binding cassette subfamily A member 4; minus strand). Cytogenetic location: 1p22.1.
Variant type: single nucleotide variant.
Coding change: c.6250G>A on transcript NM_000350.3 (MANE Select); coding-DNA position 6250, G replaced by A.
Protein change: p.Ala2084Thr; replaces alanine 2084 with threonine.
Molecular consequence: missense variant.
Genome position (GRCh38, 1-based): chr1:94,001,890, C>T on the plus strand (G>A on the coding strand, the complement: ABCA4 is on the minus strand). VCF-style: chr1-94001890-C-T. GRCh37 (hg19) VCF-style: chr1-94467446-C-T.
Other names: c.6028G>A, p.Ala2010Thr (NM_001425324.1); short protein forms A2084T, A2010T.
Identifiers: ClinVar variation 855992 (VCV000855992.14), dbSNP rs1250914690, ClinGen allele CA341278195.